The following is an entry in ClinVar:

ClinVar aggregate classification (germline): Conflicting classifications of pathogenicity. Review status: criteria provided, conflicting classifications (1 of 4 stars). 3 submissions from 3 submitters: Uncertain significance (2); Likely benign (1). Last evaluated 2025-08-31.

Conditions:
Hereditary cancer-predisposing syndrome. Also called: Hereditary Cancer Syndrome; Neoplastic Syndromes, Hereditary; Hereditary neoplastic syndrome; Tumor predisposition. Identifiers: Orphanet 140162, MedGen C0027672, MeSH D009386, MONDO:0015356.

Allele frequency attached by ClinVar (database versions not stated): gnomAD 0.00001; gnomAD exomes 0.00001 and 0.00002; ExAC 0.00002; TOPMed 0.00002.
gnomAD v4.1: 11 of 1,613,256 alleles (0.00068%); highest among the groups gnomAD compares: South Asian, 0.0066%; no homozygotes.

Submissions (3):

Labcorp Genetics (formerly Invitae), Labcorp
Classification: Uncertain significance for Hereditary cancer-predisposing syndrome. Last evaluated: 2025-08-31. Review status: criteria provided, single submitter. Criteria: Invitae Variant Classification Sherloc (09022015). Collection method: clinical testing. Allele origin: germline.
Comment: This sequence change replaces serine, which is neutral and polar, with arginine, which is basic and polar, at codon 451 of the RAD50 protein (p.Ser451Arg). This variant is present in population databases (rs587782523, gnomAD 0.01%). This variant has not been reported in the literature in individuals affected with RAD50-related conditions. ClinVar contains an entry for this variant (Variation ID: 142528). Invitae Evidence Modeling of protein sequence and biophysical properties (such as structural, functional, and spatial information, amino acid conservation, physicochemical variation, residue mobility, and thermodynamic stability) indicates that this missense variant is not expected to disrupt RAD50 protein function with a negative predictive value of 80%. In summary, the available evidence is currently insufficient to determine the role of this variant in disease. Therefore, it has been classified as a Variant of Uncertain Significance.

Ambry Genetics
Classification: Likely benign for Hereditary cancer-predisposing syndrome. Last evaluated: 2024-03-28. Review status: criteria provided, single submitter. Criteria: Ambry Variant Classification Scheme 2023. Collection method: clinical testing. Allele origin: germline.

Women's Health and Genetics/Laboratory Corporation of America, LabCorp
Classification: Uncertain significance. Last evaluated: 2020-05-14. Review status: criteria provided, single submitter. Criteria: LabCorp Variant Classification Summary - May 2015. Collection method: clinical testing. Allele origin: germline.
Comment: Variant summary: RAD50 c.1353T>A (p.Ser451Arg) results in a non-conservative amino acid change in the encoded protein sequence. Four of five in-silico tools predict a benign effect of the variant on protein function. The variant allele was found at a frequency of 1.6e-05 in 250518 control chromosomes. The available data on variant occurrences in the general population are insufficient to allow any conclusion about variant significance. To our knowledge, no occurrence of c.1353T>A in individuals affected with Hereditary Breast And Ovarian Cancer Syndrome and no experimental evidence demonstrating its impact on protein function have been reported. Two clinical diagnostic laboratories have submitted clinical-significance assessments for this variant to ClinVar after 2014 without evidence for independent evaluation. Both laboratories classified the variant as uncertain significance. Based on the evidence outlined above, the variant was classified as uncertain significance.

NM_005732.4(RAD50):c.1353T>A (p.Ser451Arg)

Gene: RAD50 (RAD50 double strand break repair protein; plus strand). Cytogenetic location: 5q31.1.
Variant type: single nucleotide variant.
Coding change: c.1353T>A on transcript NM_005732.4 (MANE Select); coding-DNA position 1353, T replaced by A.
Protein change: p.Ser451Arg; replaces serine 451 with arginine.
Molecular consequence: missense variant.
Genome position (GRCh38, 1-based): chr5:132,589,738, T>A. VCF-style: chr5-132589738-T-A. GRCh37 (hg19) VCF-style: chr5-131925430-T-A.
Other names: short protein forms S451R.
Identifiers: ClinVar variation 142528 (VCV000142528.15), dbSNP rs587782523, ClinGen allele CA168639.